The following is an entry in ClinVar:

NM_001361.5(DHODH):c.56G>A (p.Gly19Glu)

Gene: DHODH (dihydroorotate dehydrogenase (quinone); plus strand). Cytogenetic location: 16q22.2.
Variant type: single nucleotide variant.
Coding change: c.56G>A on transcript NM_001361.5 (MANE Select); coding-DNA position 56, G replaced by A.
Protein change: p.Gly19Glu; replaces glycine 19 with glutamic acid.
Molecular consequence: missense variant.
Genome position (GRCh38, 1-based): chr16:72,012,084, G>A. VCF-style: chr16-72012084-G-A. GRCh37 (hg19) VCF-style: chr16-72045983-G-A.
Other names: short protein forms G19E.
Identifiers: ClinVar variation 16802 (VCV000016802.6), dbSNP rs267606765, ClinGen allele CA126898.

ClinVar aggregate classification (germline): Conflicting classifications of pathogenicity. Review status: criteria provided, conflicting classifications (1 of 4 stars). 3 submissions from 3 submitters: Likely pathogenic (1); Uncertain significance (1). 1 of the submissions does not count toward it. Last evaluated 2025-05-13.

Conditions:
Miller syndrome (POADS). Also called: Genee-Wiedemann acrofacial dysostosis; GENEE-WIEDEMANN SYNDROME. Identifiers: Orphanet 246, MedGen C0265257, MONDO:0009903, OMIM 263750.

Allele frequency attached by ClinVar (database versions not stated): gnomAD exomes 0.00002; TOPMed 0.00001.
gnomAD v4.1: 26 of 1,614,056 alleles (0.0016%); highest among the groups gnomAD compares: Admixed American, 0.027%; no homozygotes.

Submissions (3):

3billion
Classification: Likely pathogenic for Miller syndrome. Last evaluated: 2025-05-13. Review status: criteria provided, single submitter. Criteria: ACMG Guidelines, 2015. Collection method: clinical testing. Allele origin: germline. Affected: yes.
Comment: The variant is observed at an extremely low frequency in the gnomAD v4.1.0 dataset (total allele frequency: 0.002%). Predicted Consequence/Location: Missense variant In silico tool predictions suggest damaging effect of the variant on gene or gene product [REVEL: 0.81 (>=0.6, sensitivity 0.68 and specificity 0.92)]. The same nucleotide change resulting in the same amino acid change has been previously reported to be associated with DHODH-related disorder (ClinVar ID: VCV000016802 /PMID: 19915526).The variant has been reported to be in trans with a pathogenic variant as either compound heterozygous or homozygous in at least one similarly affected unrelated individual (PMID: 19915526). Therefore, this variant is classified as Likely pathogenic according to the recommendation of ACMG/AMP guideline.

Eurofins Ntd Llc (ga)
Classification: Uncertain significance. Last evaluated: 2016-01-22. Review status: criteria provided, single submitter. Criteria: EGL Classification Definitions 2015. Collection method: clinical testing. Allele origin: germline. Observed: 1 variant allele, 1 heterozygote.

OMIM
Classification: Pathogenic for MILLER SYNDROME. Last evaluated: 2010-01-01. Review status: no assertion criteria provided. Collection method: literature only. Allele origin: germline. Not counted in ClinVar's aggregate classification.

Literature cited by the submitters: PubMed 19915526 (cited by 3billion and OMIM).